The following is an entry in ClinVar:

ClinVar aggregate classification (germline): Benign. Review status: criteria provided, multiple submitters, no conflicts (2 of 4 stars). 5 submissions from 5 submitters: Benign (5). Last evaluated 2026-02-01.

Conditions:
Muscular dystrophy-dystroglycanopathy (congenital with brain and eye anomalies), type a, 11 (MDDGA11). Also called: Congenital muscular dystrophy-dystroglycanopathy with brain and eye anomalies, type A11; WALKER-WARBURG SYNDROME OR MUSCLE-EYE-BRAIN DISEASE, B3GALNT2-RELATED; Muscular dystrophy-dystroglycanopathy (congenital with brain and eye anomalies, type A, 11. Identifiers: Orphanet 588, Orphanet 899, MedGen C3554638, MONDO:0014071, OMIM 615181.

Allele frequency attached by ClinVar (database versions not stated): gnomAD exomes 0.00063 and 0.00163; ExAC 0.00204; gnomAD 0.00586 and 0.00622; TOPMed 0.00619; ESP Exome Variant Server 0.00707; 1000 Genomes Project 0.00899; 1000 Genomes Project 30x 0.00968.
gnomAD v4.1: 1,878 of 1,611,288 alleles (0.12%); highest among the groups gnomAD compares: African/African-American, 2.2%; 17 homozygotes.

Submissions (5):

Labcorp Genetics (formerly Invitae), Labcorp
Classification: Benign for Muscular dystrophy-dystroglycanopathy (congenital with brain and eye anomalies), type a, 11. Last evaluated: 2026-02-01. Review status: criteria provided, single submitter. Criteria: Invitae Variant Classification Sherloc (09022015). Collection method: clinical testing. Allele origin: germline.

Mayo Clinic Laboratories, Mayo Clinic
Classification: Benign. Last evaluated: 2019-03-01. Review status: criteria provided, single submitter. Criteria: ACMG Guidelines, 2015. Collection method: clinical testing. Allele origin: germline. Observed: 4 variant alleles.

GeneDx
Classification: Benign. Last evaluated: 2016-07-08. Review status: criteria provided, single submitter. Criteria: GeneDx Variant Classification (06012015). Collection method: clinical testing. Allele origin: germline. Affected: yes.
Comment: This variant is considered likely benign or benign based on one or more of the following criteria: it is a conservative change, it occurs at a poorly conserved position in the protein, it is predicted to be benign by multiple in silico algorithms, and/or has population frequency not consistent with disease.

Breakthrough Genomics
Classification: Benign. Review status: criteria provided, single submitter. Criteria: ACMG Guidelines, 2015. Collection method: not provided. Allele origin: germline. Inheritance: Autosomal recessive inheritance. Affected: yes.

PreventionGenetics, part of Exact Sciences
Classification: Benign. Review status: criteria provided, single submitter. Criteria: ACMG Guidelines, 2015. Collection method: clinical testing. Allele origin: germline.

NM_152490.5(B3GALNT2):c.152A>G (p.Tyr51Cys)

Gene: B3GALNT2 (beta-1,3-N-acetylgalactosaminyltransferase 2; minus strand). Cytogenetic location: 1q42.3.
Variant type: single nucleotide variant.
Coding change: c.152A>G on transcript NM_152490.5 (MANE Select); coding-DNA position 152, A replaced by G.
Protein change: p.Tyr51Cys; replaces tyrosine 51 with cysteine.
Molecular consequence: missense variant.
Genome position (GRCh38, 1-based): chr1:235,494,789, T>C on the plus strand (A>G on the coding strand, the complement: B3GALNT2 is on the minus strand). VCF-style: chr1-235494789-T-C. GRCh37 (hg19) VCF-style: chr1-235658099-T-C.
Other names: p.Tyr51Cys; c.275A>G, p.Tyr92Cys (NM_001277155.3); short protein forms Y51C, Y92C.
Identifiers: ClinVar variation 262649 (VCV000262649.13), dbSNP rs61742900, ClinGen allele CA1464995.